The following is an entry in ClinVar:

ClinVar aggregate classification (germline): Uncertain significance. Review status: criteria provided, multiple submitters, no conflicts (2 of 4 stars). 2 submissions from 2 submitters: Uncertain significance (2). Last evaluated 2024-06-19.

Conditions:
Hereditary cancer-predisposing syndrome. Also called: Neoplastic Syndromes, Hereditary; Tumor predisposition; Hereditary Cancer Syndrome; Hereditary neoplastic syndrome. Identifiers: Orphanet 140162, MedGen C0027672, MeSH D009386, MONDO:0015356.

Submissions (2):

Labcorp Genetics (formerly Invitae), Labcorp
Classification: Uncertain significance. Last evaluated: 2024-06-19. Review status: criteria provided, single submitter. Criteria: Invitae Variant Classification Sherloc (09022015). Collection method: clinical testing. Allele origin: germline.
Comment: This sequence change replaces alanine, which is neutral and non-polar, with glutamic acid, which is acidic and polar, at codon 103 of the HOXB13 protein (p.Ala103Glu). This variant is not present in population databases (gnomAD no frequency). This variant has not been reported in the literature in individuals affected with HOXB13-related conditions. ClinVar contains an entry for this variant (Variation ID: 483517). Advanced modeling of protein sequence and biophysical properties (such as structural, functional, and spatial information, amino acid conservation, physicochemical variation, residue mobility, and thermodynamic stability) performed at Invitae indicates that this missense variant is not expected to disrupt HOXB13 protein function with a negative predictive value of 80%. In summary, the available evidence is currently insufficient to determine the role of this variant in disease. Therefore, it has been classified as a Variant of Uncertain Significance.

Ambry Genetics
Classification: Uncertain significance for Hereditary cancer-predisposing syndrome. Last evaluated: 2017-04-13. Review status: criteria provided, single submitter. Criteria: Ambry Variant Classification Scheme 2023. Collection method: clinical testing. Allele origin: germline.
Comment: The p.A103E variant (also known as c.308C>A), located in coding exon 1 of the HOXB13 gene, results from a C to A substitution at nucleotide position 308. The alanine at codon 103 is replaced by glutamic acid, an amino acid with dissimilar properties. This amino acid position is not well conserved in available vertebrate species. In addition, this alteration is predicted to be tolerated by in silico analysis. Since supporting evidence is limited at this time, the clinical significance of this alteration remains unclear.

NM_006361.6(HOXB13):c.308C>A (p.Ala103Glu)

Gene: HOXB13 (homeobox B13; minus strand). Cytogenetic location: 17q21.32.
Variant type: single nucleotide variant.
Coding change: c.308C>A on transcript NM_006361.6 (MANE Select); coding-DNA position 308, C replaced by A.
Protein change: p.Ala103Glu; replaces alanine 103 with glutamic acid.
Molecular consequence: missense variant.
Genome position (GRCh38, 1-based): chr17:48,728,286, G>T on the plus strand (C>A on the coding strand, the complement: HOXB13 is on the minus strand). VCF-style: chr17-48728286-G-T. GRCh37 (hg19) VCF-style: chr17-46805648-G-T.
Other names: short protein forms A103E.
Identifiers: ClinVar variation 483517 (VCV000483517.9), dbSNP rs760196832, ClinGen allele CA400107719.